The following is an entry in ClinVar:

ClinVar aggregate classification (germline): Uncertain significance. Review status: criteria provided, multiple submitters, no conflicts (2 of 4 stars). 2 submissions from 2 submitters: Uncertain significance (2). Last evaluated 2025-07-14.

Conditions:
Hereditary cancer-predisposing syndrome. Also called: Tumor predisposition; Hereditary neoplastic syndrome; Hereditary Cancer Syndrome; Neoplastic Syndromes, Hereditary. Identifiers: Orphanet 140162, MedGen C0027672, MeSH D009386, MONDO:0015356.

Allele frequency attached by ClinVar (database versions not stated): gnomAD exomes below 0.00001.
gnomAD v4.1: 1 of 1,610,982 alleles (0.000062%); highest among the groups gnomAD compares: Non-Finnish European, 0.000085%; no homozygotes.

Submissions (2):

Labcorp Genetics (formerly Invitae), Labcorp
Classification: Uncertain significance. Last evaluated: 2025-07-14. Review status: criteria provided, single submitter. Criteria: Invitae Variant Classification Sherloc (09022015). Collection method: clinical testing. Allele origin: germline.
Comment: This sequence change replaces lysine, which is basic and polar, with glutamic acid, which is acidic and polar, at codon 370 of the CTNNA1 protein (p.Lys370Glu). This variant is not present in population databases (gnomAD no frequency). This variant has not been reported in the literature in individuals affected with CTNNA1-related conditions. ClinVar contains an entry for this variant (Variation ID: 3221868). Invitae Evidence Modeling of protein sequence and biophysical properties (such as structural, functional, and spatial information, amino acid conservation, physicochemical variation, residue mobility, and thermodynamic stability) indicates that this missense variant is not expected to disrupt CTNNA1 protein function with a negative predictive value of 80%. In summary, the available evidence is currently insufficient to determine the role of this variant in disease. Therefore, it has been classified as a Variant of Uncertain Significance.

Ambry Genetics
Classification: Uncertain significance for Hereditary cancer-predisposing syndrome. Last evaluated: 2023-10-08. Review status: criteria provided, single submitter. Criteria: Ambry Variant Classification Scheme 2023. Collection method: clinical testing. Allele origin: germline.
Comment: The p.K370E variant (also known as c.1108A>G), located in coding exon 7 of the CTNNA1 gene, results from an A to G substitution at nucleotide position 1108. The lysine at codon 370 is replaced by glutamic acid, an amino acid with similar properties. This amino acid position is conserved. In addition, this alteration is predicted to be tolerated by in silico analysis. Since supporting evidence is limited at this time, the clinical significance of this alteration remains unclear.

NM_001903.5(CTNNA1):c.1108A>G (p.Lys370Glu)

Gene: CTNNA1 (catenin alpha 1; plus strand). Cytogenetic location: 5q31.2.
Variant type: single nucleotide variant.
Coding change: c.1108A>G on transcript NM_001903.5 (MANE Select); coding-DNA position 1108, A replaced by G.
Protein change: p.Lys370Glu; replaces lysine 370 with glutamic acid.
Molecular consequence: missense variant. On other transcripts: 5 prime UTR variant (26), intron variant (2).
Genome position (GRCh38, 1-based): chr5:138,886,257, A>G. VCF-style: chr5-138886257-A-G. GRCh37 (hg19) VCF-style: chr5-138221946-A-G.
Other names: c.1108A>G, p.Lys370Glu (NM_001290307.3, NM_001323982.2, NM_001323983.1 and 3 more transcripts); c.799A>G, p.Lys267Glu (NM_001290309.3); c.739A>G, p.Lys247Glu (NM_001290310.3); c.-3A>G (NM_001290312.1, NM_001323987.1, NM_001323988.1 and 18 more transcripts); c.-400A>G (NM_001324006.1, NM_001324007.1, NM_001324008.1 and 1 more transcripts); c.-275A>G (NM_001324013.1); c.-58+10660A>G (NM_001324012.1); c.-61+10660A>G (NM_001324010.1); short protein forms K247E, K267E, K370E.
Identifiers: ClinVar variation 3221868 (VCV003221868.2), dbSNP rs2532981173, ClinGen allele CA361132567.
Genomic context (GRCh38, chr5:138,886,257, plus strand): 5'-TTTCCTTTTATCCAGGCTGGACGTAAAGAAAGAAGTGATGCACTCAATTCTGCAATAGAT[A>G]AAATGACCAAGAAGACCAGGGACTTGCGTAGACAGGTAATCTGGATGAAAGTGCTGATTG-3'
Protein context (NP_001894.2, residues 360-380): RSDALNSAID[Lys370Glu]MTKKTRDLRR